The following is an entry in ClinVar:

ClinVar aggregate classification (germline): Uncertain significance. Review status: criteria provided, multiple submitters, no conflicts (2 of 4 stars). 3 submissions from 3 submitters: Uncertain significance (3). Last evaluated 2026-01-11.

Conditions:
Hereditary cancer-predisposing syndrome. Also called: Tumor predisposition; Hereditary neoplastic syndrome; Neoplastic Syndromes, Hereditary; Hereditary Cancer Syndrome. Identifiers: Orphanet 140162, MedGen C0027672, MeSH D009386, MONDO:0015356.
Ataxia-telangiectasia syndrome (AT). Also called: Ataxia-telangiectasia, complementation group E; AT, COMPLEMENTATION GROUP C; ATAXIA-TELANGIECTASIA, COMPLEMENTATION GROUP A; ATAXIA-TELANGIECTASIA, FRESNO VARIANT; Ataxia-telangiectasia; LOUIS-BAR SYNDROME. Identifiers: Orphanet 100, MedGen C0004135, MONDO:0008840, OMIM 208900.

Submissions (3):

Labcorp Genetics (formerly Invitae), Labcorp
Classification: Uncertain significance for Ataxia-telangiectasia syndrome. Last evaluated: 2026-01-11. Review status: criteria provided, single submitter. Criteria: Invitae Variant Classification Sherloc (09022015). Collection method: clinical testing. Allele origin: germline.
Comment: This sequence change replaces leucine, which is neutral and non-polar, with arginine, which is basic and polar, at codon 285 of the ATM protein (p.Leu285Arg). This variant is not present in population databases (gnomAD no frequency). This variant has not been reported in the literature in individuals affected with ATM-related conditions. ClinVar contains an entry for this variant (Variation ID: 220613). Invitae Evidence Modeling of protein sequence and biophysical properties (such as structural, functional, and spatial information, amino acid conservation, physicochemical variation, residue mobility, and thermodynamic stability) indicates that this missense variant is not expected to disrupt ATM protein function with a negative predictive value of 95%. In summary, the available evidence is currently insufficient to determine the role of this variant in disease. Therefore, it has been classified as a Variant of Uncertain Significance.

Ambry Genetics
Classification: Uncertain significance for Hereditary cancer-predisposing syndrome. Last evaluated: 2025-07-12. Review status: criteria provided, single submitter. Criteria: Ambry Variant Classification Scheme 2023. Collection method: clinical testing. Allele origin: germline.
Comment: The p.L285R variant (also known as c.854T>G), located in coding exon 6 of the ATM gene, results from a T to G substitution at nucleotide position 854. The leucine at codon 285 is replaced by arginine, an amino acid with dissimilar properties. This amino acid position is highly conserved in available vertebrate species. In addition, this alteration is predicted to be deleterious by in silico analysis. Since supporting evidence is limited at this time, the clinical significance of this alteration remains unclear.

Color Diagnostics, LLC DBA Color Health
Classification: Uncertain significance for Hereditary cancer-predisposing syndrome. Last evaluated: 2021-03-01. Review status: criteria provided, single submitter. Criteria: ACMG Guidelines, 2015. Collection method: clinical testing. Allele origin: germline.
Comment: This missense variant replaces leucine with arginine at codon 285 of the ATM protein. Computational prediction is inconclusive regarding the impact of this variant on protein structure and function (internally defined REVEL score threshold 0.5 < inconclusive < 0.7, PMID: 27666373). To our knowledge, functional studies have not been reported for this variant. This variant has been reported in an individual affected with breast cancer (PMID: 28779002). This variant has not been identified in the general population by the Genome Aggregation Database (gnomAD). The available evidence is insufficient to determine the role of this variant in disease conclusively. Therefore, this variant is classified as a Variant of Uncertain Significance.

NM_000051.4(ATM):c.854T>G (p.Leu285Arg)

Gene: ATM (ATM serine/threonine kinase; plus strand). Cytogenetic location: 11q22.3.
Variant type: single nucleotide variant.
Coding change: c.854T>G on transcript NM_000051.4 (MANE Select); coding-DNA position 854, T replaced by G.
Protein change: p.Leu285Arg; replaces leucine 285 with arginine.
Molecular consequence: missense variant.
Genome position (GRCh38, 1-based): chr11:108,244,979, T>G. VCF-style: chr11-108244979-T-G. GRCh37 (hg19) VCF-style: chr11-108115706-T-G.
Other names: c.854T>G, p.Leu285Arg (NM_001351834.2); short protein forms L285R.
Identifiers: ClinVar variation 220613 (VCV000220613.14), dbSNP rs864622605, ClinGen allele CA350615.
Genomic context (GRCh38, chr11:108,244,979, plus strand): 5'-TTTGGACTCAACATAGGCTTAATGATTCTTTAAAAGAAGTCATTATTGAATTATTTCAAC[T>G]GCAAATTTATATCCATCATCCGAAAGGAGCCAAAACCCAAGAAAAAGGTATAAAGGAAAT-3'
Protein context (NP_000042.3, residues 275-295): LKEVIIELFQ[Leu285Arg]QIYIHHPKGA